The following is an entry in ClinVar:

ClinVar aggregate classification (germline): Uncertain significance (1 of 4 stars; one submission).

Allele frequency attached by ClinVar (database versions not stated): ExAC 0.00002; gnomAD exomes 0.00003 and 0.00007; TOPMed 0.00006; gnomAD 0.00008.
gnomAD v4.1: 112 of 1,613,972 alleles (0.0069%); highest among the groups gnomAD compares: Non-Finnish European, 0.0092%; no homozygotes.

Submissions (2):

Labcorp Genetics (formerly Invitae), Labcorp
Classification: Uncertain significance. Last evaluated: 2022-07-05. Review status: criteria provided, single submitter. Criteria: Invitae Variant Classification Sherloc (09022015). Collection method: clinical testing. Allele origin: germline.
Comment: This sequence change falls in intron 7 of the LIG1 gene. It does not directly change the encoded amino acid sequence of the LIG1 protein. This variant is present in population databases (rs576908900, gnomAD 0.008%). This variant has not been reported in the literature in individuals affected with LIG1-related conditions. ClinVar contains an entry for this variant (Variation ID: 1516282). Algorithms developed to predict the effect of sequence changes on RNA splicing suggest that this variant may create or strengthen a splice site. In summary, the available evidence is currently insufficient to determine the role of this variant in disease. Therefore, it has been classified as a Variant of Uncertain Significance.

Dr. Peter K. Rogan Lab, Western University
No classification provided (evidence only). Condition: Lung cancer. Review status: no classification provided. Collection method: in vitro. Allele origin: not applicable. Functional consequence: retained intron. Not counted in ClinVar's aggregate classification.

NM_000234.3(LIG1):c.575-8C>G

Gene: LIG1 (DNA ligase 1; minus strand). Cytogenetic location: 19q13.33.
Variant type: single nucleotide variant.
Coding change: c.575-8C>G on transcript NM_000234.3 (MANE Select); 8 bases into the intron before coding-DNA position 575, C replaced by G.
Molecular consequence: intron variant.
Genome position (GRCh38, 1-based): chr19:48,150,218, G>C on the plus strand (C>G on the coding strand, the complement: LIG1 is on the minus strand). VCF-style: chr19-48150218-G-C. GRCh37 (hg19) VCF-style: chr19-48653475-G-C.
Other names: c.482-8C>G (NM_001289063.2); c.485-8C>G (NM_001320971.2); c.371-8C>G (NM_001289064.2); c.572-8C>G (NM_001320970.2).
Identifiers: ClinVar variation 1516282 (VCV001516282.4), dbSNP rs576908900, ClinGen allele CA9547212.